The following is an entry in ClinVar:

NM_000045.4(ARG1):c.295G>T (p.Gly99Ter)

Genes: ARG1 (arginase 1; plus strand), MED23 (mediator complex subunit 23; minus strand). Cytogenetic location: 6q23.2.
Variant type: single nucleotide variant.
Coding change: c.295G>T on transcript NM_000045.4 (MANE Select); coding-DNA position 295, G replaced by T.
Protein change: p.Gly99Ter; replaces glycine 99 with a stop codon.
Molecular consequence: nonsense. On other transcripts: non-coding transcript variant (1), intron variant (2).
Genome position (GRCh38, 1-based): chr6:131,579,275, G>T. VCF-style: chr6-131579275-G-T. GRCh37 (hg19) VCF-style: chr6-131900415-G-T.
Other names: c.319G>T, p.Gly107Ter (NM_001244438.2); c.295G>T, p.Gly99Ter (NM_001369020.1); c.4078-4980C>A (NM_001270521.2); c.4096-4980C>A (NM_015979.4); short protein forms G107*, G99*.
Identifiers: ClinVar variation 5011430 (VCV005011430.1).

ClinVar aggregate classification (germline): Pathogenic (1 of 4 stars; one submission).

Conditions:
Arginase deficiency. Also called: ARGININEMIA; ARG1 DEFICIENCY; Arginase 1 Deficiency. Identifiers: Orphanet 90, MedGen C0268548, MONDO:0008814, OMIM 207800.

Submission:

Myriad Genetics, Inc.
Classification: Pathogenic for Arginase deficiency. Last evaluated: 2023-08-21. Review status: criteria provided, single submitter. Criteria: Myriad Autosomal Dominant, Autosomal Recessive and X-Linked Classification Criteria (2023). Collection method: clinical testing. Allele origin: unknown.
Comment: NM_000045.3(ARG1):c.295G>T(G99*) is expected to be pathogenic in the context of argininemia. This variant is predicted to lead to an abnormal or absent protein product due to the creation of a premature termination codon in ARG1, a gene where loss-of-function variants are known to be pathogenic. Please note: this variant was assessed in the context of healthy population screening.